The following is an entry in ClinVar:

NM_002444.3(MSN):c.429G>A (p.Lys143=)

Gene: MSN (moesin; plus strand). Cytogenetic location: Xq12.
Variant type: single nucleotide variant.
Coding change: c.429G>A on transcript NM_002444.3 (MANE Select); coding-DNA position 429, G replaced by A.
Protein change: p.Lys143=; no amino-acid change (lysine 143 retained).
Molecular consequence: synonymous variant.
Genome position (GRCh38, 1-based): chrX:65,729,674, G>A. VCF-style: chrX-65729674-G-A. GRCh37 (hg19) VCF-style: chrX-64949536-G-A.
Identifiers: ClinVar variation 1571363 (VCV001571363.33), dbSNP rs146058241, ClinGen allele CA10434493.

ClinVar aggregate classification (germline): Likely benign. Review status: criteria provided, multiple submitters, no conflicts (2 of 4 stars). 3 submissions from 3 submitters: Likely benign (3). Last evaluated 2026-01-02.

Allele frequency attached by ClinVar (database versions not stated): gnomAD exomes 0.00018 and 0.00020; ExAC 0.00021; gnomAD 0.00021 and 0.00022; TOPMed 0.00026; ESP Exome Variant Server 0.00028.
gnomAD v4.1: 243 of 1,209,975 alleles (0.02%); highest among the groups gnomAD compares: Admixed American, 0.055%; no homozygotes.

Submissions (3):

Labcorp Genetics (formerly Invitae), Labcorp
Classification: Likely benign. Last evaluated: 2026-01-02. Review status: criteria provided, single submitter. Criteria: Invitae Variant Classification Sherloc (09022015). Collection method: clinical testing. Allele origin: germline.

Blueprint Genetics
Classification: Likely benign. Last evaluated: 2024-11-04. Review status: criteria provided, single submitter. Criteria: ACMG Guidelines, 2015. Collection method: clinical testing. Allele origin: germline.

CeGaT Center for Human Genetics Tuebingen
Classification: Likely benign. Last evaluated: 2022-12-01. Review status: criteria provided, single submitter. Criteria: CeGaT Center For Human Genetics Tuebingen Variant Classification Criteria Version 2. Collection method: clinical testing. Allele origin: germline. Affected: yes. Observed: 1 variant allele.
Comment: MSN: BP4, BP7, BS2